The following is an entry in ClinVar:

NM_014915.3(ANKRD26):c.2698-6A>G

Gene: ANKRD26 (ankyrin repeat domain containing 26; minus strand). Cytogenetic location: 10p12.1.
Variant type: single nucleotide variant.
Coding change: c.2698-6A>G on transcript NM_014915.3 (MANE Select); 6 bases into the intron before coding-DNA position 2698, A replaced by G.
Molecular consequence: intron variant.
Genome position (GRCh38, 1-based): chr10:27,035,758, T>C on the plus strand (A>G on the coding strand, the complement: ANKRD26 is on the minus strand). VCF-style: chr10-27035758-T-C. GRCh37 (hg19) VCF-style: chr10-27324687-T-C.
Other names: c.2695-6A>G (NM_001256053.2).
Identifiers: ClinVar variation 3347872 (VCV003347872.1).

ClinVar aggregate classification (germline): Likely benign (0 of 4 stars; one submission).

Conditions:
ANKRD26-related disorder. Also called: ANKRD26-related condition.

Submission:

PreventionGenetics, part of Exact Sciences
Classification: Likely benign for ANKRD26-related condition. Last evaluated: 2024-08-07. Review status: no assertion criteria provided. Collection method: clinical testing. Allele origin: germline.
Comment: This variant is classified as likely benign based on ACMG/AMP sequence variant interpretation guidelines (Richards et al. 2015 PMID: 25741868, with internal and published modifications).